The following is an entry in ClinVar:

ClinVar aggregate classification (germline): Uncertain significance (1 of 4 stars; one submission).

Conditions:
Peroxisome biogenesis disorder 9B. Also called: PEX7-Related Refsum Disease; PEROXISOME BIOGENESIS DISORDER, PEX7-RELATED, ATYPICAL; Refsum disease, adult, 2. Identifiers: Orphanet 773, MedGen C2749346, MONDO:0013945, OMIM 614879.

Submission:

Labcorp Genetics (formerly Invitae), Labcorp
Classification: Uncertain significance for Peroxisome biogenesis disorder 9B. Last evaluated: 2023-08-10. Review status: criteria provided, single submitter. Criteria: Invitae Variant Classification Sherloc (09022015). Collection method: clinical testing. Allele origin: germline.
Comment: This sequence change replaces glutamic acid, which is acidic and polar, with glutamine, which is neutral and polar, at codon 23 of the PEX7 protein (p.Glu23Gln). In summary, the available evidence is currently insufficient to determine the role of this variant in disease. Therefore, it has been classified as a Variant of Uncertain Significance. An algorithm developed to predict the effect of missense changes on protein structure and function (PolyPhen-2) suggests that this variant is likely to be tolerated. This variant has not been reported in the literature in individuals affected with PEX7-related conditions. This variant is not present in population databases (gnomAD no frequency).

NM_000288.4(PEX7):c.67G>C (p.Glu23Gln)

Gene: PEX7 (peroxisomal biogenesis factor 7; plus strand). Cytogenetic location: 6q23.3.
Variant type: single nucleotide variant.
Coding change: c.67G>C on transcript NM_000288.4 (MANE Select); coding-DNA position 67, G replaced by C.
Protein change: p.Glu23Gln; replaces glutamic acid 23 with glutamine.
Molecular consequence: missense variant.
Genome position (GRCh38, 1-based): chr6:136,822,732, G>C. VCF-style: chr6-136822732-G-C. GRCh37 (hg19) VCF-style: chr6-137143870-G-C.
Other names: short protein forms E23Q.
Identifiers: ClinVar variation 2996165 (VCV002996165.3), dbSNP rs1562723897, ClinGen allele CA365855256.